The following is an entry in ClinVar:

ClinVar aggregate classification (germline): Pathogenic (1 of 4 stars; one submission).

Submission:

CeGaT Center for Human Genetics Tuebingen
Classification: Pathogenic. Last evaluated: 2026-02-01. Review status: criteria provided, single submitter. Criteria: CeGaT Center For Human Genetics Tuebingen Variant Classification Criteria Version 2. Collection method: clinical testing. Allele origin: germline. Affected: yes. Observed: 1 variant allele.
Comment: WDFY3: PVS1, PM2

NM_014991.6(WDFY3):c.3370dup (p.Thr1124fs)

Gene: WDFY3 (WD repeat and FYVE domain containing 3; minus strand). Cytogenetic location: 4q21.23.
Variant type: Duplication.
Coding change: c.3370dup on transcript NM_014991.6 (MANE Select); coding-DNA position 3370, one base duplicated (A; older notation c.3370dupA).
Protein change: p.Thr1124fs; shifts the reading frame from threonine 1124.
Molecular consequence: frameshift variant.
Genome position (GRCh38, 1-based): chr4:84,794,636, T duplicated on the plus strand (A on the coding strand, the reverse complement: WDFY3 is on the minus strand). VCF-style (leftmost placement, unchanged base first): chr4-84794635-G-GT. GRCh37 (hg19) VCF-style: chr4-85715788-G-GT.
Other names: short protein forms T1124fs.
Identifiers: ClinVar variation 4822788 (VCV004822788.4).
Genomic context (GRCh38, chr4:84,794,635, plus strand): 5'-GATAGAACTATTGCAAGGCACACGTAATGTTGCTCAGAAGAATTTGCTCGGCGCACAACA[G>GT]TAAGAAGTCTGACAGGGTGGTTATTTGGAGGAGAACTAAAATGTTCAATACAAAACCAGC-3'